The following is an entry in ClinVar:

NM_001148.6(ANK2):c.11455G>A (p.Glu3819Lys)

Gene: ANK2 (ankyrin 2; plus strand). Cytogenetic location: 4q26.
Variant type: single nucleotide variant.
Coding change: c.11455G>A on transcript NM_001148.6 (MANE Select); coding-DNA position 11455, G replaced by A.
Protein change: p.Glu3819Lys; replaces glutamic acid 3819 with lysine.
Molecular consequence: missense variant.
Genome position (GRCh38, 1-based): chr4:113,369,650, G>A. VCF-style: chr4-113369650-G-A. GRCh37 (hg19) VCF-style: chr4-114290806-G-A.
Other names: c.5173G>A, p.Glu1725Lys (NM_001127493.3); c.5212G>A, p.Glu1738Lys (NM_001354225.2); c.5101G>A, p.Glu1701Lys (NM_001354228.2, NM_001354258.2); c.5179G>A, p.Glu1727Lys (NM_001354230.2); c.5242G>A, p.Glu1748Lys (NM_001354231.2, NM_001354242.2); c.5236G>A, p.Glu1746Lys (NM_001354232.2); c.5197G>A, p.Glu1733Lys (NM_001354235.2, NM_001354246.2, NM_001354265.2); c.5098G>A, p.Glu1700Lys (NM_001354236.2); and 35 more; short protein forms E1573K, E1606K, E1656K, E1663K, E1689K, E1713K, E1724K, E1727K.
Identifiers: ClinVar variation 1732241 (VCV001732241.3), dbSNP rs1203748896, ClinGen allele CA357942755.

ClinVar aggregate classification (germline): Uncertain significance (1 of 4 stars; one submission).

Conditions:
Cardiovascular phenotype. Identifiers: MedGen CN230736.

Allele frequency attached by ClinVar (database versions not stated): gnomAD exomes 0.00001; TOPMed 0.00002; gnomAD 0.00003.
gnomAD v4.1: 15 of 1,613,958 alleles (0.00093%); highest among the groups gnomAD compares: Admixed American, 0.0067%; no homozygotes.

Submission:

Ambry Genetics
Classification: Uncertain significance for Cardiovascular phenotype. Last evaluated: 2024-10-19. Review status: criteria provided, single submitter. Criteria: Ambry Variant Classification Scheme 2023. Collection method: clinical testing. Allele origin: germline.
Comment: The p.E3819K variant (also known as c.11455G>A), located in coding exon 43 of the ANK2 gene, results from a G to A substitution at nucleotide position 11455. The glutamic acid at codon 3819 is replaced by lysine, an amino acid with similar properties. This amino acid position is not well conserved in available vertebrate species. In addition, the in silico prediction for this alteration is inconclusive. Since supporting evidence is limited at this time, the clinical significance of this alteration remains unclear.